The following is an entry in ClinVar:

ClinVar aggregate classification (germline): Uncertain significance (1 of 4 stars; one submission).

Conditions:
Autosomal dominant Parkinson disease 8. Also called: LRRK2-Related Parkinson Disease; Parkinson disease 8; Parkinson disease 8, susceptibility to. Identifiers: Orphanet 411602, MedGen C1846862, MONDO:0011764, OMIM 607060.

Allele frequency attached by ClinVar (database versions not stated): ExAC 0.00001.

Submission:

Labcorp Genetics (formerly Invitae), Labcorp
Classification: Uncertain significance for Autosomal dominant Parkinson disease 8. Last evaluated: 2023-11-27. Review status: criteria provided, single submitter. Criteria: Invitae Variant Classification Sherloc (09022015). Collection method: clinical testing. Allele origin: germline.
Comment: This sequence change affects a donor splice site in intron 45 of the LRRK2 gene. It is expected to disrupt RNA splicing. Variants that disrupt the donor or acceptor splice site typically lead to a loss of protein function (PMID: 16199547), however the current clinical and genetic evidence is not sufficient to establish whether loss-of-function variants in LRRK2 cause disease. This variant is present in population databases (rs770693289, gnomAD 0.01%). This variant has not been reported in the literature in individuals affected with LRRK2-related conditions. ClinVar contains an entry for this variant (Variation ID: 2157058). Algorithms developed to predict the effect of sequence changes on RNA splicing suggest that this variant may disrupt the consensus splice site. In summary, the available evidence is currently insufficient to determine the role of this variant in disease. Therefore, it has been classified as a Variant of Uncertain Significance.

Literature cited by the submitters: PubMed 16199547.

NM_198578.4(LRRK2):c.6770+1G>C

Gene: LRRK2 (leucine rich repeat kinase 2; plus strand). Cytogenetic location: 12q12.
Variant type: single nucleotide variant.
Coding change: c.6770+1G>C on transcript NM_198578.4 (MANE Select); the canonical splice donor site of the intron after coding-DNA position 6770, G replaced by C.
Molecular consequence: splice donor variant.
Genome position (GRCh38, 1-based): chr12:40,354,493, G>C. VCF-style: chr12-40354493-G-C. GRCh37 (hg19) VCF-style: chr12-40748295-G-C.
Identifiers: ClinVar variation 2157058 (VCV002157058.4), dbSNP rs770693289, ClinGen allele CA6514745.